The following is an entry in ClinVar:

ClinVar aggregate classification (germline): Uncertain significance (1 of 4 stars; one submission).

Conditions:
Familial cancer of breast. Also called: hereditary breast carcinoma; Hereditary breast cancer; BREAST CANCER, FAMILIAL. Identifiers: Orphanet 227535, MedGen C0346153, MONDO:0016419, OMIM 114480. Disease mechanism: loss of function.

Submission:

Labcorp Genetics (formerly Invitae), Labcorp
Classification: Uncertain significance for Familial cancer of breast. Last evaluated: 2019-01-11. Review status: criteria provided, single submitter. Criteria: Invitae Variant Classification Sherloc (09022015). Collection method: clinical testing. Allele origin: germline.
Comment: This sequence change replaces valine with leucine at codon 538 of the CHEK2 protein (p.Val538Leu). The valine residue is moderately conserved and there is a small physicochemical difference between valine and leucine. This variant is not present in population databases (ExAC no frequency). This variant has not been reported in the literature in individuals with CHEK2-related conditions. Algorithms developed to predict the effect of missense changes on protein structure and function (SIFT, PolyPhen-2, Align-GVGD) all suggest that this variant is likely to be tolerated, but these predictions have not been confirmed by published functional studies and their clinical significance is uncertain. In summary, the available evidence is currently insufficient to determine the role of this variant in disease. Therefore, it has been classified as a Variant of Uncertain Significance.

NM_007194.4(CHEK2):c.1612G>T (p.Val538Leu)

Gene: CHEK2 (checkpoint kinase 2; minus strand). Cytogenetic location: 22q12.1.
Variant type: single nucleotide variant.
Coding change: c.1612G>T on transcript NM_007194.4 (MANE Select); coding-DNA position 1612, G replaced by T.
Protein change: p.Val538Leu; replaces valine 538 with leucine.
Molecular consequence: missense variant.
Genome position (GRCh38, 1-based): chr22:28,687,917, C>A on the plus strand (G>T on the coding strand, the complement: CHEK2 is on the minus strand). VCF-style: chr22-28687917-C-A. GRCh37 (hg19) VCF-style: chr22-29083905-C-A.
Other names: c.1741G>T, p.Val581Leu (NM_001005735.3); c.949G>T, p.Val317Leu (NM_001257387.3); c.1411G>T, p.Val471Leu (NM_001349956.3); c.1525G>T, p.Val509Leu (NM_145862.3); short protein forms V471L, V538L, V317L, V509L, V581L.
Identifiers: ClinVar variation 844678 (VCV000844678.10), dbSNP rs1064794950, ClinGen allele CA411091008.